The following is an entry in ClinVar:

ClinVar aggregate classification (germline): Likely benign (1 of 4 stars; one submission).

Conditions:
RAF1-related disorder. Also called: RAF1-related disorders; RAF1-related condition.

gnomAD v4.1: 2 of 1,613,816 alleles (0.00012%); highest among the groups gnomAD compares: African/African-American, 0.0027%; no homozygotes.

Submission:

PreventionGenetics, part of Exact Sciences
Classification: Likely benign for RAF1-related condition. Last evaluated: 2025-02-12. Review status: criteria provided, single submitter. Criteria: ACMG Guidelines, 2015. Collection method: clinical testing. Allele origin: germline.
Comment: This variant is classified as likely benign based on ACMG/AMP sequence variant interpretation guidelines (Richards et al. 2015 PMID: 25741868, with internal and published modifications).

NM_002880.4(RAF1):c.579C>G (p.Leu193=)

Gene: RAF1 (Raf-1 proto-oncogene, serine/threonine kinase; minus strand). Cytogenetic location: 3p25.2.
Variant type: single nucleotide variant.
Coding change: c.579C>G on transcript NM_002880.4 (MANE Select); coding-DNA position 579, C replaced by G.
Protein change: p.Leu193=; no amino-acid change (leucine 193 retained).
Molecular consequence: synonymous variant. On other transcripts: non-coding transcript variant (3).
Genome position (GRCh38, 1-based): chr3:12,608,768, G>C on the plus strand (C>G on the coding strand, the complement: RAF1 is on the minus strand). VCF-style: chr3-12608768-G-C. GRCh37 (hg19) VCF-style: chr3-12650267-G-C.
Other names: c.579C>G, p.Leu193= (NM_001354689.3, NM_001354690.3, NM_001354693.3); c.336C>G, p.Leu112= (NM_001354691.3, NM_001354692.3, NM_001354694.3 and 1 more transcripts).
Identifiers: ClinVar variation 4997282 (VCV004997282.1).